The following is an entry in ClinVar:

ClinVar aggregate classification (germline): Conflicting classifications of pathogenicity. Review status: criteria provided, conflicting classifications (1 of 4 stars). 20 submissions from 16 submitters: Uncertain significance (5); Benign (3); Likely benign (8). 4 of the submissions do not count toward it. Last evaluated 2026-08-01.

Conditions:
Cardiovascular phenotype. Identifiers: MedGen CN230736.
TTN-related disorder. Also called: TTN-related disorders; TTN-related condition; TTN-related disease.
Autosomal recessive limb-girdle muscular dystrophy type 2J (LGMDR10). Also called: Limb-girdle muscular dystrophy, type 2J; MUSCULAR DYSTROPHY, LIMB-GIRDLE, AUTOSOMAL RECESSIVE 10. Identifiers: Orphanet 140922, MedGen C1837342, MONDO:0012127, OMIM 608807.
Dilated cardiomyopathy 1G (CMD1G). Identifiers: Orphanet 154, MedGen C1858763, MONDO:0011400, OMIM 604145.
Cardiomyopathy (CMYO). Also called: Cardiomyopathies. Identifiers: Orphanet 167848, MedGen C0878544, MONDO:0004994, HP:0001638. Inheritance: Various modes of inheritance.
Myopathy, myofibrillar, 9, with early respiratory failure (MFM9). Also called: Myopathy, distal, with early respiratory failure, autosomal dominant; EDSTROM MYOPATHY; MYOPATHY, PROXIMAL, WITH EARLY RESPIRATORY MUSCLE INVOLVEMENT; Hereditary myopathy with early respiratory failure. Identifiers: Orphanet 178464, Orphanet 34521, MedGen C1863599, MONDO:0011362, OMIM 603689.
Tibial muscular dystrophy (TMD). Also called: Udd Distal Myopathy – Tibial Muscular Dystrophy; UDD MYOPATHY; Tibial muscular dystrophy, tardive. Identifiers: Orphanet 609, MedGen C1838244, MONDO:0010870, OMIM 600334.
Early-onset myopathy with fatal cardiomyopathy (CMYO5). Also called: Salih Myopathy; CONGENITAL MYOPATHY 5 WITH CARDIOMYOPATHY. Identifiers: Orphanet 289377, MedGen C2673677, MONDO:0012714, OMIM 611705. Disease mechanism: loss of function.

Allele frequency attached by ClinVar (database versions not stated): ExAC 0.00023; gnomAD 0.00025 and 0.00028; gnomAD exomes 0.00026 and 0.00060; ESP Exome Variant Server 0.00033; TOPMed 0.00017.
gnomAD v4.1: 904 of 1,613,754 alleles (0.056%); highest among the groups gnomAD compares: Non-Finnish European, 0.07%; no homozygotes.

Submissions (20):

CeGaT Center for Human Genetics Tuebingen
Classification: Likely benign. Last evaluated: 2026-08-01. Review status: criteria provided, single submitter. Criteria: CeGaT Center For Human Genetics Tuebingen Variant Classification Criteria Version 2. Collection method: clinical testing. Allele origin: germline. Affected: yes. Observed: 4 variant alleles.
Comment: TTN: BP4, BP7

Labcorp Genetics (formerly Invitae), Labcorp
Classification: Likely benign for Dilated cardiomyopathy 1G; Autosomal recessive limb-girdle muscular dystrophy type 2J. Last evaluated: 2026-01-25. Review status: criteria provided, single submitter. Criteria: Invitae Variant Classification Sherloc (09022015). Collection method: clinical testing. Allele origin: germline.

PreventionGenetics, part of Exact Sciences
Classification: Likely benign for TTN-related condition. Last evaluated: 2025-04-02. Review status: criteria provided, single submitter. Criteria: ACMG Guidelines, 2015. Collection method: clinical testing. Allele origin: germline.
Comment: This variant is classified as likely benign based on ACMG/AMP sequence variant interpretation guidelines (Richards et al. 2015 PMID: 25741868, with internal and published modifications).

Women's Health and Genetics/Laboratory Corporation of America, LabCorp
Classification: Likely benign. Last evaluated: 2025-01-24. Review status: criteria provided, single submitter. Criteria: LabCorp Variant Classification Summary - May 2015. Collection method: clinical testing. Allele origin: germline.

Blueprint Genetics
Classification: Likely benign. Last evaluated: 2024-09-11. Review status: criteria provided, single submitter. Criteria: ACMG Guidelines, 2015. Collection method: clinical testing. Allele origin: germline.

CHEO Genetics Diagnostic Laboratory, Children's Hospital of Eastern Ontario
Classification: Likely benign for Cardiomyopathy. Last evaluated: 2023-04-21. Review status: criteria provided, single submitter. Criteria: ACMG Guidelines, 2015. Collection method: clinical testing. Allele origin: germline.

Revvity Omics, Revvity
Classification: Uncertain significance. Last evaluated: 2022-09-19. Review status: criteria provided, single submitter. Criteria: ACMG Guidelines, 2015. Collection method: clinical testing. Allele origin: germline.

Illumina Laboratory Services, Illumina
Classification: Uncertain significance for Dilated cardiomyopathy 1G. Last evaluated: 2018-01-12. Review status: criteria provided, single submitter. Criteria: ICSL Variant Classification Criteria 13 December 2019. Collection method: clinical testing. Allele origin: germline.

Illumina Laboratory Services, Illumina
Classification: Benign for Tibial muscular dystrophy. Last evaluated: 2018-01-12. Review status: criteria provided, single submitter. Criteria: ICSL Variant Classification Criteria 13 December 2019. Collection method: clinical testing. Allele origin: germline.
Comment: This variant was observed in the ICSL laboratory as part of a predisposition screen in an ostensibly healthy population. It had not been previously curated by ICSL or reported in the Human Gene Mutation Database (HGMD: prior to June 1st, 2018), and was therefore a candidate for classification through an automated scoring system. Utilizing variant allele frequency, disease prevalence and penetrance estimates, and inheritance mode, an automated score was calculated to assess if this variant is too frequent to cause the disease. Based on the score and internal cut-off values, a variant classified as benign is not then subjected to further curation. The score for this variant resulted in a classification of benign for this disease.

Illumina Laboratory Services, Illumina
Classification: Uncertain significance for Autosomal recessive limb-girdle muscular dystrophy type 2J. Last evaluated: 2018-01-12. Review status: criteria provided, single submitter. Criteria: ICSL Variant Classification Criteria 13 December 2019. Collection method: clinical testing. Allele origin: germline.

Illumina Laboratory Services, Illumina
Classification: Uncertain significance for Early-onset myopathy with fatal cardiomyopathy. Last evaluated: 2018-01-12. Review status: criteria provided, single submitter. Criteria: ICSL Variant Classification Criteria 13 December 2019. Collection method: clinical testing. Allele origin: germline.

Illumina Laboratory Services, Illumina
Classification: Benign for Myopathy, myofibrillar, 9, with early respiratory failure. Last evaluated: 2018-01-12. Review status: criteria provided, single submitter. Criteria: ICSL Variant Classification Criteria 13 December 2019. Collection method: clinical testing. Allele origin: germline.
Comment: the same text as in the submission from Illumina Laboratory Services, Illumina above.

Eurofins Ntd Llc (ga)
Classification: Uncertain significance. Last evaluated: 2015-10-05. Review status: criteria provided, single submitter. Criteria: EGL Classification Definitions 2015. Collection method: clinical testing. Allele origin: germline. Observed: 5 variant alleles, 5 heterozygotes.

Ambry Genetics
Classification: Likely benign for Cardiovascular phenotype. Last evaluated: 2015-06-11. Review status: criteria provided, single submitter. Criteria: Ambry Variant Classification Scheme 2023. Collection method: clinical testing. Allele origin: germline.

GeneDx
Classification: Benign. Last evaluated: 2015-05-01. Review status: criteria provided, single submitter. Criteria: GeneDx Variant Classification (06012015). Collection method: clinical testing. Allele origin: germline. Affected: yes.
Comment: This variant is considered likely benign or benign based on one or more of the following criteria: it is a conservative change, it occurs at a poorly conserved position in the protein, it is predicted to be benign by multiple in silico algorithms, and/or has population frequency not consistent with disease.

Laboratory for Molecular Medicine, Mass General Brigham Personalized Medicine
Classification: Likely benign. Last evaluated: 2012-03-19. Review status: criteria provided, single submitter. Criteria: LMM Criteria. Collection method: clinical testing. Allele origin: germline. Observed: 1 variant allele.
Comment: Lys30486Lys in exon 303 of TTN: This variant is not expected to have clinical si gnificance because it does not alter an amino acid residue and is not located wi thin the splice consensus sequence. It has been identified in 2/6668 European Am erican chromosomes from a broad population by the NHLBI Exome Sequencing Project. Lys30486Lys in exon 303 of TTN (allele fre quency = 2/6668) **

Clinical Genetics DNA and cytogenetics Diagnostics Lab, Erasmus MC, Erasmus Medical Center
Classification: Likely benign. Review status: no assertion criteria provided. Collection method: clinical testing. Allele origin: germline. Affected: yes. Study: VKGL Data-share Consensus. Not counted in ClinVar's aggregate classification.

Clinical Genetics, Academic Medical Center
Classification: Benign. Review status: no assertion criteria provided. Collection method: clinical testing. Allele origin: germline. Affected: yes. Study: VKGL Data-share Consensus. Not counted in ClinVar's aggregate classification.

Diagnostic Laboratory, Department of Genetics, University Medical Center Groningen
Classification: Likely benign. Review status: no assertion criteria provided. Collection method: clinical testing. Allele origin: germline. Affected: yes. Study: VKGL Data-share Consensus. Not counted in ClinVar's aggregate classification.

Joint Genome Diagnostic Labs from Nijmegen and Maastricht, Radboudumc and MUMC+
Classification: Benign. Review status: no assertion criteria provided. Collection method: clinical testing. Allele origin: germline. Affected: yes. Study: VKGL Data-share Consensus. Not counted in ClinVar's aggregate classification.

NM_001267550.2(TTN):c.99162G>A (p.Lys33054=)

Genes: TTN (titin; minus strand), TTN-AS1 (TTN antisense RNA 1; plus strand). Cytogenetic location: 2q31.2.
Variant type: single nucleotide variant.
Coding change: c.99162G>A on transcript NM_001267550.2 (MANE Select); coding-DNA position 99162, G replaced by A.
Protein change: p.Lys33054=; no amino-acid change (lysine 33054 retained).
Molecular consequence: synonymous variant.
Genome position (GRCh38, 1-based): chr2:178,538,667, C>T on the plus strand (G>A on the coding strand, the complement: TTN is on the minus strand). VCF-style: chr2-178538667-C-T. GRCh37 (hg19) VCF-style: chr2-179403394-C-T.
Other names: c.72342G>A, p.Lys24114= (NM_133432.3); c.72543G>A, p.Lys24181= (NM_133437.4); c.94239G>A, p.Lys31413= (NM_001256850.1); c.71967G>A, p.Lys23989= (NM_003319.4); c.91458G>A, p.Lys30486= (NM_133378.4).
Identifiers: ClinVar variation 178162 (VCV000178162.65), dbSNP rs368686031, ClinGen allele CA181590.
Genomic context (GRCh38, chr2:178,538,667, plus strand): 5'-AAAAACCCTGAATTCATACTCAGTAGCTTCCAGCAAACCTCCTATTGTGAATTGCTTGTC[C>T]TTAATACGTTCCTTATTGCTCTTCTTCCAGGCACTGTCTCCAGACTGTCTATATTCAACC-3'
Protein context (NP_001254479.2, residues 33044-33064): AWKKSNKERI[Lys33054=]DKQFTIGGLL